The following is an entry in ClinVar:

ClinVar aggregate classification (germline): Uncertain significance. Review status: criteria provided, multiple submitters, no conflicts (2 of 4 stars). 2 submissions from 2 submitters: Uncertain significance (2). Last evaluated 2024-07-06.

Conditions:
Hereditary cancer-predisposing syndrome. Also called: Neoplastic Syndromes, Hereditary; Tumor predisposition; Hereditary neoplastic syndrome; Hereditary Cancer Syndrome. Identifiers: Orphanet 140162, MedGen C0027672, MeSH D009386, MONDO:0015356.
Familial adenomatous polyposis 1 (FAP1). Also called: POLYPOSIS, ADENOMATOUS INTESTINAL; FAMILIAL ADENOMATOUS POLYPOSIS 1, ATTENUATED. Identifiers: MedGen C2713442, MONDO:0021056, OMIM 175100. Disease mechanism: loss of function.

Submissions (2):

Labcorp Genetics (formerly Invitae), Labcorp
Classification: Uncertain significance for Familial adenomatous polyposis 1. Last evaluated: 2024-07-06. Review status: criteria provided, single submitter. Criteria: Invitae Variant Classification Sherloc (09022015). Collection method: clinical testing. Allele origin: germline.
Comment: This sequence change replaces glutamine, which is neutral and polar, with arginine, which is basic and polar, at codon 2314 of the APC protein (p.Gln2314Arg). This variant is not present in population databases (gnomAD no frequency). This variant has not been reported in the literature in individuals affected with APC-related conditions. ClinVar contains an entry for this variant (Variation ID: 826719). Advanced modeling of protein sequence and biophysical properties (such as structural, functional, and spatial information, amino acid conservation, physicochemical variation, residue mobility, and thermodynamic stability) performed at Invitae indicates that this missense variant is not expected to disrupt APC protein function with a negative predictive value of 95%. In summary, the available evidence is currently insufficient to determine the role of this variant in disease. Therefore, it has been classified as a Variant of Uncertain Significance.

Ambry Genetics
Classification: Uncertain significance for Hereditary cancer-predisposing syndrome. Last evaluated: 2023-02-06. Review status: criteria provided, single submitter. Criteria: Ambry Variant Classification Scheme 2023. Collection method: clinical testing. Allele origin: germline.
Comment: The p.Q2314R variant (also known as c.6941A>G), located in coding exon 15 of the APC gene, results from an A to G substitution at nucleotide position 6941. The glutamine at codon 2314 is replaced by arginine, an amino acid with highly similar properties. This amino acid position is highly conserved in available vertebrate species. In addition, in silico predictors for this gene do not accurately predict pathogenicity. Since supporting evidence is limited at this time, the clinical significance of this alteration remains unclear.

NM_000038.6(APC):c.6941A>G (p.Gln2314Arg)

Gene: APC (APC regulator of Wnt signaling pathway; plus strand). Cytogenetic location: 5q22.2.
Variant type: single nucleotide variant.
Coding change: c.6941A>G on transcript NM_000038.6 (MANE Select); coding-DNA position 6941, A replaced by G.
Protein change: p.Gln2314Arg; replaces glutamine 2314 with arginine.
Molecular consequence: missense variant.
Genome position (GRCh38, 1-based): chr5:112,842,535, A>G. VCF-style: chr5-112842535-A-G. GRCh37 (hg19) VCF-style: chr5-112178232-A-G.
Other names: c.6941A>G, p.Gln2314Arg (NM_001127510.3, NM_001354895.2); c.6887A>G, p.Gln2296Arg (NM_001127511.3); c.6995A>G, p.Gln2332Arg (NM_001354896.2); c.6971A>G, p.Gln2324Arg (NM_001354897.2); c.6866A>G, p.Gln2289Arg (NM_001354898.2); c.6857A>G, p.Gln2286Arg (NM_001354899.2); c.6818A>G, p.Gln2273Arg (NM_001354900.2); c.6764A>G, p.Gln2255Arg (NM_001354901.2); and 5 more; short protein forms Q2031R, Q2255R, Q2286R, Q2314R, Q2324R, Q2154R, Q2213R, Q2273R.
Identifiers: ClinVar variation 826719 (VCV000826719.7), dbSNP rs1580676551, ClinGen allele CA16036469.